The following is an entry in ClinVar:

ClinVar aggregate classification (germline): Pathogenic (1 of 4 stars; one submission).

Conditions:
Spastic paraplegia. Identifiers: MedGen C0037772, HP:0001258.

Submission:

Labcorp Genetics (formerly Invitae), Labcorp
Classification: Pathogenic for Spastic paraplegia. Last evaluated: 2024-05-06. Review status: criteria provided, single submitter. Criteria: Invitae Variant Classification Sherloc (09022015). Collection method: clinical testing. Allele origin: germline.
Comment: This sequence change creates a premature translational stop signal (p.Thr585Alafs*7) in the ZFYVE26 gene. It is expected to result in an absent or disrupted protein product. Loss-of-function variants in ZFYVE26 are known to be pathogenic (PMID: 18394578, 19805727). This variant is not present in population databases (gnomAD no frequency). This variant has not been reported in the literature in individuals affected with ZFYVE26-related conditions. For these reasons, this variant has been classified as Pathogenic.

Literature cited by the submitters: PubMed 18394578; PubMed 19805727.

NM_015346.4(ZFYVE26):c.1742_1751dup (p.Thr585fs)

Gene: ZFYVE26 (zinc finger FYVE-type containing 26; minus strand). Cytogenetic location: 14q24.1.
Variant type: Duplication.
Coding change: c.1742_1751dup on transcript NM_015346.4 (MANE Select); coding-DNA positions 1742 to 1751, 10 bases duplicated (TGCTTCTCAT; older notation c.1742_1751dupTGCTTCTCAT).
Protein change: p.Thr585fs; shifts the reading frame from threonine 585.
Molecular consequence: frameshift variant.
Genome position (GRCh38, 1-based): chr14:67,798,511-67,798,520, ATGAGAAGCA duplicated on the plus strand (TGCTTCTCAT on the coding strand, the reverse complement: ZFYVE26 is on the minus strand); duplicating any 10 consecutive bases within chr14:67,798,511-67,798,528 gives the same sequence; the c. name uses the placement nearest the transcript's 3' end. VCF-style (leftmost placement, unchanged base first): chr14-67798510-G-GATGAGAAGCA. GRCh37 (hg19) VCF-style: chr14-68265227-G-GATGAGAAGCA.
Other names: short protein forms T585fs.
Identifiers: ClinVar variation 2700893 (VCV002700893.3), dbSNP rs2502858134, ClinGen allele CA2697554007.